The following is an entry in ClinVar:

ClinVar aggregate classification (germline): Uncertain significance. Review status: criteria provided, multiple submitters, no conflicts (2 of 4 stars). 3 submissions from 3 submitters: Uncertain significance (3). Last evaluated 2024-05-12.

gnomAD v4.1: 3 of 1,207,448 alleles (0.00025%); highest among the groups gnomAD compares: Non-Finnish European, 0.00034%; no homozygotes.

Submissions (3):

Labcorp Genetics (formerly Invitae), Labcorp
Classification: Uncertain significance. Last evaluated: 2024-05-12. Review status: criteria provided, single submitter. Criteria: Invitae Variant Classification Sherloc (09022015). Collection method: clinical testing. Allele origin: germline.
Comment: This sequence change replaces alanine, which is neutral and non-polar, with valine, which is neutral and non-polar, at codon 260 of the CLCN4 protein (p.Ala260Val). This variant is not present in population databases (gnomAD no frequency). This variant has not been reported in the literature in individuals affected with CLCN4-related conditions. ClinVar contains an entry for this variant (Variation ID: 1060499). Advanced modeling of protein sequence and biophysical properties (such as structural, functional, and spatial information, amino acid conservation, physicochemical variation, residue mobility, and thermodynamic stability) has been performed at Invitae for this missense variant, however the output from this modeling did not meet the statistical confidence thresholds required to predict the impact of this variant on CLCN4 protein function. In summary, the available evidence is currently insufficient to determine the role of this variant in disease. Therefore, it has been classified as a Variant of Uncertain Significance.

CeGaT Center for Human Genetics Tuebingen
Classification: Uncertain significance. Last evaluated: 2023-07-01. Review status: criteria provided, single submitter. Criteria: CeGaT Center For Human Genetics Tuebingen Variant Classification Criteria Version 2. Collection method: clinical testing. Allele origin: germline. Affected: yes. Observed: 1 variant allele.
Comment: CLCN4: PM2, PP2

GeneDx
Classification: Uncertain significance. Last evaluated: 2019-07-02. Review status: criteria provided, single submitter. Criteria: GeneDx Variant Classification Process June 2021. Collection method: clinical testing. Allele origin: germline. Affected: yes.
Comment: Not observed in large population cohorts (Lek et al., 2016); In silico analysis, which includes protein predictors and evolutionary conservation, supports a deleterious effect; Has not been previously published as pathogenic or benign to our knowledge

NM_001830.4(CLCN4):c.779C>T (p.Ala260Val)

Gene: CLCN4 (Cl-/H+ antiporter 4; plus strand). Cytogenetic location: Xp22.2.
Variant type: single nucleotide variant.
Coding change: c.779C>T on transcript NM_001830.4 (MANE Select); coding-DNA position 779, C replaced by T.
Protein change: p.Ala260Val; replaces alanine 260 with valine.
Molecular consequence: missense variant.
Genome position (GRCh38, 1-based): chrX:10,206,712, C>T. VCF-style: chrX-10206712-C-T. GRCh37 (hg19) VCF-style: chrX-10174752-C-T.
Other names: c.497C>T, p.Ala166Val (NM_001256944.2); short protein forms A166V, A260V.
Identifiers: ClinVar variation 1060499 (VCV001060499.33), dbSNP rs2147178608, ClinGen allele CA412037131.
Genomic context (GRCh38, chrX:10,206,712, plus strand): 5'-TCATGGAAGGCCTTGAAGCTTATGTAGAACTATTTGTTTTGTAGGTGCTTTCAGCTGCAG[C>T]GGCTGCTGGAGTCTCTGTTGCCTTTGGTGCACCAATTGGAGGCGTGCTTTTCAGTCTAGA-3'
Protein context (NP_001821.2, residues 250-270): GKRREVLSAA[Ala260Val]AAGVSVAFGA